The following is an entry in ClinVar:

NM_002292.4(LAMB2):c.3644C>G (p.Ala1215Gly)

Gene: LAMB2 (laminin subunit beta 2; minus strand). Cytogenetic location: 3p21.31.
Variant type: single nucleotide variant.
Coding change: c.3644C>G on transcript NM_002292.4 (MANE Select); coding-DNA position 3644, C replaced by G.
Protein change: p.Ala1215Gly; replaces alanine 1215 with glycine.
Molecular consequence: missense variant.
Genome position (GRCh38, 1-based): chr3:49,123,881, G>C on the plus strand (C>G on the coding strand, the complement: LAMB2 is on the minus strand). VCF-style: chr3-49123881-G-C. GRCh37 (hg19) VCF-style: chr3-49161314-G-C.
Other names: short protein forms A1215G.
Identifiers: ClinVar variation 345985 (VCV000345985.10), dbSNP rs140456179, ClinGen allele CA2393993.

ClinVar aggregate classification (germline): Uncertain significance. Review status: criteria provided, multiple submitters, no conflicts (2 of 4 stars). 4 submissions from 3 submitters: Uncertain significance (4). Last evaluated 2021-08-31.

Conditions:
LAMB2-related infantile-onset nephrotic syndrome. Also called: NEPHROTIC SYNDROME, TYPE 5, WITHOUT OCULAR ABNORMALITIES; NEPHROTIC SYNDROME, TYPE 5, WITH OCULAR ABNORMALITIES; Nephrotic Syndrome, type 5. Identifiers: Orphanet 306507, MedGen C3280113, MONDO:0013621, OMIM 614199.
Pierson syndrome. Also called: MICROCORIA-CONGENITAL NEPHROTIC SYNDROME. Identifiers: Orphanet 2670, MedGen C1836876, MONDO:0012184, OMIM 609049.

Allele frequency attached by ClinVar (database versions not stated): TOPMed 0.00004; 1000 Genomes Project 30x 0.00016; 1000 Genomes Project 0.00020.
gnomAD v4.1: 19 of 1,613,404 alleles (0.0012%); highest among the groups gnomAD compares: East Asian, 0.013%; no homozygotes.

Submissions (4):

Labcorp Genetics (formerly Invitae), Labcorp
Classification: Uncertain significance for LAMB2-related infantile-onset nephrotic syndrome; Pierson syndrome. Last evaluated: 2021-08-31. Review status: criteria provided, single submitter. Criteria: Invitae Variant Classification Sherloc (09022015). Collection method: clinical testing. Allele origin: germline.
Comment: This sequence change replaces alanine with glycine at codon 1215 of the LAMB2 protein (p.Ala1215Gly). The alanine residue is moderately conserved and there is a small physicochemical difference between alanine and glycine. This variant is present in population databases (rs140456179, ExAC 0.03%). This variant has not been reported in the literature in individuals affected with LAMB2-related conditions. ClinVar contains an entry for this variant (Variation ID: 345985). Algorithms developed to predict the effect of missense changes on protein structure and function (SIFT, PolyPhen-2, Align-GVGD) all suggest that this variant is likely to be tolerated. In summary, the available evidence is currently insufficient to determine the role of this variant in disease. Therefore, it has been classified as a Variant of Uncertain Significance.

Fulgent Genetics
Classification: Uncertain significance for Pierson syndrome; LAMB2-related infantile-onset nephrotic syndrome. Last evaluated: 2021-07-14. Review status: criteria provided, single submitter. Criteria: ACMG Guidelines, 2015. Collection method: clinical testing. Allele origin: unknown.

Illumina Laboratory Services, Illumina
Classification: Uncertain significance for Pierson syndrome. Last evaluated: 2018-01-12. Review status: criteria provided, single submitter. Criteria: ICSL Variant Classification Criteria 13 December 2019. Collection method: clinical testing. Allele origin: germline.

Illumina Laboratory Services, Illumina
Classification: Uncertain significance for LAMB2-related infantile-onset nephrotic syndrome. Last evaluated: 2018-01-12. Review status: criteria provided, single submitter. Criteria: ICSL Variant Classification Criteria 13 December 2019. Collection method: clinical testing. Allele origin: germline.